The following is an entry in ClinVar:

ClinVar aggregate classification (germline): Uncertain significance (1 of 4 stars; one submission).

Submission:

Labcorp Genetics (formerly Invitae), Labcorp
Classification: Uncertain significance. Last evaluated: 2025-12-01. Review status: criteria provided, single submitter. Criteria: Invitae Variant Classification Sherloc (09022015). Collection method: clinical testing. Allele origin: germline.
Comment: This sequence change creates a premature translational stop signal (p.Lys683Thrfs*5) in the GPR179 gene. While this is not anticipated to result in nonsense mediated decay, it is expected to disrupt the last 1685 amino acid(s) of the GPR179 protein. This variant is not present in population databases (gnomAD no frequency). This variant has not been reported in the literature in individuals affected with GPR179-related conditions. Experimental studies and prediction algorithms are not available or were not evaluated, and the functional significance of this variant is currently unknown. In summary, the available evidence is currently insufficient to determine the role of this variant in disease. Therefore, it has been classified as a Variant of Uncertain Significance.

NM_001004334.4(GPR179):c.2048_2054del (p.Lys683fs)

Gene: GPR179 (G protein-coupled receptor 179; minus strand). Cytogenetic location: 17q12.
Variant type: Deletion.
Coding change: c.2048_2054del on transcript NM_001004334.4 (MANE Select); coding-DNA positions 2048 to 2054, 7 bases deleted (AGAAGCT; older notation c.2048_2054delAGAAGCT).
Protein change: p.Lys683fs; shifts the reading frame from lysine 683.
Molecular consequence: frameshift variant.
Genome position (GRCh38, 1-based): chr17:38,331,515-38,331,521, AGCTTCT deleted on the plus strand (AGAAGCT on the coding strand, the reverse complement: GPR179 is on the minus strand). VCF-style (leftmost placement, unchanged base first): chr17-38331514-GAGCTTCT-G. GRCh37 (hg19) VCF-style: chr17-36487397-GAGCTTCT-G.
Other names: short protein forms K683fs.
Identifiers: ClinVar variation 4731789 (VCV004731789.1).
Genomic context (GRCh38, chr17:38,331,514, plus strand): 5'-GGGCAGGTGGGGGTTGTTTGCGGCCATTTCCTTGGTTTTGTGGACCTCTAGCTGGGCATA[GAGCTTCT>G]TCAGCTCGTCCTGTGGGGCAGCAGGGAGGAAAGCAGGGCTGCAGGTGAGCTCTCTCCATC-3'